The following is an entry in ClinVar:

NM_001323289.2(CDKL5):c.2072_2073del (p.His690_Ser691insTer)

Gene: CDKL5 (cyclin dependent kinase like 5; plus strand). Cytogenetic location: Xp22.13.
Variant type: Microsatellite.
Coding change: c.2072_2073del on transcript NM_001323289.2 (MANE Select); coding-DNA positions 2072 to 2073, 2 bases deleted (CT; older notation c.2072_2073delCT).
Protein change: p.His690_Ser691insTer.
Molecular consequence: nonsense.
Genome position (GRCh38, 1-based): chrX:18,609,490-18,609,491, CT deleted; deleting any 2 consecutive bases within chrX:18,609,488-18,609,491 gives the same sequence; the c. name uses the placement nearest the transcript's 3' end. VCF-style (leftmost placement, unchanged base first): chrX-18609487-ACT-A. GRCh37 (hg19) VCF-style: chrX-18627607-ACT-A.
Other names: NM_001323289.2(CDKL5):c.2072_2073del; p.His690_Ser691insTer; c.2072_2073del, p.His690_Ser691insTer (NM_001037343.2, NM_003159.3).
Identifiers: ClinVar variation 1455321 (VCV001455321.9), dbSNP rs2147164676, ClinGen allele CA2580615392.

ClinVar aggregate classification (germline): Pathogenic. Review status: criteria provided, multiple submitters, no conflicts (2 of 4 stars). 2 submissions from 2 submitters: Pathogenic (2). Last evaluated 2024-08-21.

Conditions:
Angelman syndrome-like. Identifiers: MedGen CN128785.
Developmental and epileptic encephalopathy, 2 (DEE2). Also called: INFANTILE SPASM SYNDROME, X-LINKED 2; CDKL5 deficiency disorder. Identifiers: Orphanet 1934, Orphanet 3451, Orphanet 505652, MedGen C4750718, MONDO:0010396, OMIM 300672.
CDKL5 disorder. Identifiers: MedGen CN296942, MONDO:0100039.

Submissions (2):

Centre for Population Genomics, CPG
Classification: Pathogenic for CDKL5 disorder. Last evaluated: 2024-08-21. Review status: criteria provided, single submitter. Criteria: McKnight et al. (Hum Mutat. 2022). Collection method: curation. Allele origin: germline. Inheritance: X-linked inheritance.
Comment: This variant has been collected from RettBASE and curated to current modified ACMG/AMP criteria. Based on the classification scheme defined by the ClinGen Rett/Angelman-like Expert Panel for Rett/AS-like Disorders Specifications to the ACMG/AMP Variant Interpretation Guidelines VCEP 3.0, this variant is classified as pathogenic. At least the following criteria are met: Predicted to result in loss of function, and LOF is a known mechanism of disease (PVS1). This variant is absent from gnomAD v4 (PM2_Supporting). Has been observed in at least 2 individuals with phenotypes consistent with CDKL5 disorder (PS4_Supporting). PMID: 25657822 22872100 Variation ID: 1455321

Labcorp Genetics (formerly Invitae), Labcorp
Classification: Pathogenic for Developmental and epileptic encephalopathy, 2; Angelman syndrome-like. Last evaluated: 2020-11-13. Review status: criteria provided, single submitter. Criteria: Invitae Variant Classification Sherloc (09022015). Collection method: clinical testing. Allele origin: germline.
Comment: For these reasons, this variant has been classified as Pathogenic. This variant has been observed in individual(s) with early-onset encephalopathy (PMID: 22872100). This variant is not present in population databases (ExAC no frequency). This sequence change creates a premature translational stop signal (p.Ser691*) in the CDKL5 gene. It is expected to result in an absent or disrupted protein product. Loss-of-function variants in CDKL5 are known to be pathogenic (PMID: 22872100).

Literature cited by the submitters: PubMed 22872100 (cited by Labcorp Genetics (formerly Invitae), Labcorp).